The following is an entry in ClinVar:

ClinVar aggregate classification (germline): Likely benign (1 of 4 stars; one submission).

Submission:

Women's Health and Genetics/Laboratory Corporation of America, LabCorp
Classification: Likely benign. Last evaluated: 2023-08-25. Review status: criteria provided, single submitter. Criteria: LabCorp Variant Classification Summary - May 2015. Collection method: clinical testing. Allele origin: germline.
Comment: Variant summary: CFTR c.3368-121_3368-118dupATTA is located at a position not widely known to affect splicing. Consensus agreement among computation tools predict no significant impact on normal splicing. However, these predictions have yet to be confirmed by functional studies. The variant was absent in 31390 control chromosomes (gnomAD). The available data on variant occurrences in the general population are insufficient to allow any conclusion about variant significance. To our knowledge, no occurrence of c.3368-121_3368-118dupATTA in individuals affected with Cystic Fibrosis and no experimental evidence demonstrating its impact on protein function have been reported. No submitters have cited clinical-significance assessments for this variant to ClinVar after 2014. Based on the evidence outlined above, the variant was classified as likely benign.

NM_000492.4(CFTR):c.3368-121_3368-118dup

Genes: CFTR (CF transmembrane conductance regulator; plus strand), CFTR-AS2 (CFTR antisense RNA 2; minus strand). Cytogenetic location: 7q31.2.
Variant type: Duplication.
Coding change: c.3368-121_3368-118dup on transcript NM_000492.4 (MANE Select); 121 bases into the intron before coding-DNA position 3368 through 118 bases into the intron before coding-DNA position 3368, 4 bases duplicated (ATTA; older notation c.3368-121_3368-118dupATTA).
Molecular consequence: intron variant.
Genome position (GRCh38, 1-based): chr7:117,614,492-117,614,495, ATTA duplicated; duplicating any 4 consecutive bases within chr7:117,614,491-117,614,495 gives the same sequence; the c. name uses the placement nearest the transcript's 3' end. VCF-style (leftmost placement, unchanged base first): chr7-117614490-A-AAATT. GRCh37 (hg19) VCF-style: chr7-117254544-A-AAATT.
Identifiers: ClinVar variation 2581367 (VCV002581367.1), dbSNP rs1311244620, ClinGen allele CA832121277.
Genomic context (GRCh38, chr7:117,614,490, plus strand): 5'-ATATGCAGAGCATTATTCTATTAGTAGATGCTGTGATGAACTGAGATTTAAAAATTGTTA[A>AAATT]AATTAGCATAAAATTGAAATGTAAATTTAATGTGATATGTGCCCTAGGAGAAGTGTGAAT-3'